The following is an entry in ClinVar:

ClinVar aggregate classification (germline): Pathogenic/Likely pathogenic. Review status: criteria provided, multiple submitters, no conflicts (2 of 4 stars). 4 submissions from 4 submitters: Pathogenic (2); Likely pathogenic (2). Last evaluated 2022-09-29.

Conditions:
Camptomelic dysplasia (CMPD). Also called: CMPD1/SRA1; Campomelic Dysplasia. Identifiers: Orphanet 140, MedGen C1861922, MONDO:0007251, OMIM 114290.

Submissions (4):

Revvity Omics, Revvity
Classification: Likely pathogenic for Camptomelic dysplasia. Last evaluated: 2022-09-29. Review status: criteria provided, single submitter. Criteria: ACMG Guidelines, 2015. Collection method: clinical testing. Allele origin: germline.

GeneDx
Classification: Likely pathogenic. Last evaluated: 2022-08-17. Review status: criteria provided, single submitter. Criteria: GeneDx Variant Classification Process June 2021. Collection method: clinical testing. Allele origin: germline. Affected: yes.
Comment: Published functional studies suggest the p.(R152P) may have an effect on DNA binding but the significance of the result is not clear (Meyer et al., 1997); Not observed at significant frequency in large population cohorts (gnomAD); In silico analysis supports that this missense variant has a deleterious effect on protein structure/function; This variant is associated with the following publications: (PMID: 11754051, 9002675)

Labcorp Genetics (formerly Invitae), Labcorp
Classification: Pathogenic for Camptomelic dysplasia. Last evaluated: 2022-03-19. Review status: criteria provided, single submitter. Criteria: Invitae Variant Classification Sherloc (09022015). Collection method: clinical testing. Allele origin: germline.
Comment: This missense change has been observed in individual(s) with campomelic dysplasia (PMID: 9002675). In at least one individual the variant was observed to be de novo. Advanced modeling of protein sequence and biophysical properties (such as structural, functional, and spatial information, amino acid conservation, physicochemical variation, residue mobility, and thermodynamic stability) performed at Invitae indicates that this missense variant is expected to disrupt SOX9 protein function. Experimental studies have shown that this missense change affects SOX9 function (PMID: 9002675). For these reasons, this variant has been classified as Pathogenic. This variant is not present in population databases (gnomAD no frequency). This sequence change replaces arginine, which is basic and polar, with proline, which is neutral and non-polar, at codon 152 of the SOX9 protein (p.Arg152Pro).

Neuberg Centre For Genomic Medicine, NCGM
Classification: Pathogenic for Camptomelic dysplasia. Review status: criteria provided, single submitter. Criteria: ACMG Guidelines, 2015. Collection method: clinical testing. Allele origin: germline. Inheritance: Autosomal dominant inheritance. Affected: yes.
Comment: The observed missense variant c.455G>C (p.Arg152Pro) in SOX9 gene has been reported in heterozygous state in multiple patients affected with campomelic dysplasia and autosomal sex reversal (Meyer J et al. 1997). Experimental studies have shown that this missense change affects SOX9 function (Meyer J et al. 1997). The p.Arg152Pro variant is absent in gnomAD Exomes. This variant has been submitted to the ClinVar database Likely Pathogenic / Pathogenic. The amino acid Arg at position 152 is changed to a Pro changing protein sequence and it might alter its composition and physico-chemical properties. This variant has not been reported to the ClinVar database. The amino acid change p.Arg152Pro in SOX9 is predicted as conserved by GERP++ and PhyloP across 100 vertebrates. Multiple lines of computational evidence (Polyphen - Damaging, SIFT - Damaging and Mutation Taster - Disease causing) predicts conflicting evidence on protein structure and function for this variant. For these reasons, this variant has been classified as Pathogenic.

Literature cited by the submitters: PubMed 9002675 (cited by Labcorp Genetics (formerly Invitae), Labcorp).

NM_000346.4(SOX9):c.455G>C (p.Arg152Pro)

Gene: SOX9 (SRY-box transcription factor 9; plus strand). Cytogenetic location: 17q24.3.
Variant type: single nucleotide variant.
Coding change: c.455G>C on transcript NM_000346.4 (MANE Select); coding-DNA position 455, G replaced by C.
Protein change: p.Arg152Pro; replaces arginine 152 with proline.
Molecular consequence: missense variant.
Genome position (GRCh38, 1-based): chr17:72,122,742, G>C. VCF-style: chr17-72122742-G-C. GRCh37 (hg19) VCF-style: chr17-70118883-G-C.
Other names: c.455G>C (NM_000346.3); short protein forms R152P.
Identifiers: ClinVar variation 2138103 (VCV002138103.8), dbSNP rs2143245214, ClinGen allele CA400866334.